The following is an entry in ClinVar:

ClinVar aggregate classification (germline): Likely benign. Review status: criteria provided, multiple submitters, no conflicts (2 of 4 stars). 2 submissions from 2 submitters: Likely benign (2). Last evaluated 2026-01-24.

Conditions:
BMP1-related disorder. Also called: BMP1-related condition.

Allele frequency attached by ClinVar (database versions not stated): gnomAD exomes 0.00022; ExAC 0.00023; gnomAD 0.00025 and 0.00028; TOPMed 0.00027; ESP Exome Variant Server 0.00031; 1000 Genomes Project 0.00040; 1000 Genomes Project 30x 0.00047.
gnomAD v4.1: 262 of 1,603,244 alleles (0.016%); highest among the groups gnomAD compares: African/African-American, 0.018%; no homozygotes.

Submissions (2):

Labcorp Genetics (formerly Invitae), Labcorp
Classification: Likely benign. Last evaluated: 2026-01-24. Review status: criteria provided, single submitter. Criteria: Invitae Variant Classification Sherloc (09022015). Collection method: clinical testing. Allele origin: germline.

PreventionGenetics, part of Exact Sciences
Classification: Likely benign for BMP1-related condition. Last evaluated: 2024-12-13. Review status: criteria provided, single submitter. Criteria: ACMG Guidelines, 2015. Collection method: clinical testing. Allele origin: germline.
Comment: This variant is classified as likely benign based on ACMG/AMP sequence variant interpretation guidelines (Richards et al. 2015 PMID: 25741868, with internal and published modifications).

NM_001199.4(BMP1):c.2141G>A (p.Arg714His)

Gene: BMP1 (bone morphogenetic protein 1; plus strand). Cytogenetic location: 8p21.3.
Variant type: single nucleotide variant.
Coding change: c.2141G>A on transcript NM_001199.4 (MANE Plus Clinical); coding-DNA position 2141, G replaced by A.
Protein change: p.Arg714His; replaces arginine 714 with histidine.
Molecular consequence: missense variant. On other transcripts: non-coding transcript variant (1), intron variant (1).
Genome position (GRCh38, 1-based): chr8:22,201,151, G>A. VCF-style: chr8-22201151-G-A. GRCh37 (hg19) VCF-style: chr8-22058664-G-A.
Other names: c.2108-652G>A (NM_006129.5); c.2141G>A (NM_001199.3); short protein forms R714H.
Identifiers: ClinVar variation 733432 (VCV000733432.9), dbSNP rs202093582, ClinGen allele CA4665083.